The following is an entry in ClinVar:

ClinVar aggregate classification (germline): Uncertain significance. Review status: criteria provided, multiple submitters, no conflicts (2 of 4 stars). 2 submissions from 2 submitters: Uncertain significance (2). Last evaluated 2025-09-10.

Conditions:
Hypertrophic cardiomyopathy. Also called: HYPERTROPHIC MYOCARDIOPATHY. Identifiers: Orphanet 217569, MedGen C0007194, MeSH D002312, MONDO:0005045, HP:0001639.

Submissions (2):

Labcorp Genetics (formerly Invitae), Labcorp
Classification: Uncertain significance for Hypertrophic cardiomyopathy. Last evaluated: 2025-09-10. Review status: criteria provided, single submitter. Criteria: Invitae Variant Classification Sherloc (09022015). Collection method: clinical testing. Allele origin: germline.
Comment: This sequence change replaces arginine, which is basic and polar, with glycine, which is neutral and non-polar, at codon 31 of the MYOM1 protein (p.Arg31Gly). This variant is not present in population databases (gnomAD no frequency). This variant has not been reported in the literature in individuals affected with MYOM1-related conditions. ClinVar contains an entry for this variant (Variation ID: 1766156). An algorithm developed to predict the effect of missense changes on protein structure and function (PolyPhen-2) suggests that this variant is likely to be tolerated. In summary, the available evidence is currently insufficient to determine the role of this variant in disease. Therefore, it has been classified as a Variant of Uncertain Significance.

Ambry Genetics
Classification: Uncertain significance. Last evaluated: 2022-07-17. Review status: criteria provided, single submitter. Criteria: Ambry Variant Classification Scheme 2023. Collection method: clinical testing. Allele origin: germline.
Comment: The p.R31G variant (also known as c.91C>G), located in coding exon 1 of the MYOM1 gene, results from a C to G substitution at nucleotide position 91. The arginine at codon 31 is replaced by glycine, an amino acid with dissimilar properties. This amino acid position is conserved. In addition, this alteration is predicted to be tolerated by in silico analysis. Since supporting evidence is limited at this time, the clinical significance of this alteration remains unclear.

NM_003803.4(MYOM1):c.91C>G (p.Arg31Gly)

Gene: MYOM1 (myomesin 1; minus strand). Cytogenetic location: 18p11.31.
Variant type: single nucleotide variant.
Coding change: c.91C>G on transcript NM_003803.4 (MANE Select); coding-DNA position 91, C replaced by G.
Protein change: p.Arg31Gly; replaces arginine 31 with glycine.
Molecular consequence: missense variant.
Genome position (GRCh38, 1-based): chr18:3,215,133, G>C on the plus strand (C>G on the coding strand, the complement: MYOM1 is on the minus strand). VCF-style: chr18-3215133-G-C. GRCh37 (hg19) VCF-style: chr18-3215131-G-C.
Other names: c.91C>G, p.Arg31Gly (NM_019856.2); short protein forms R31G.
Identifiers: ClinVar variation 1766156 (VCV001766156.3), dbSNP rs76382984, ClinGen allele CA401718297.